The following is an entry in ClinVar:

NM_001365951.3(KIF1B):c.4553T>A (p.Leu1518His)

Gene: KIF1B (kinesin family member 1B; plus strand). Cytogenetic location: 1p36.22.
Variant type: single nucleotide variant.
Coding change: c.4553T>A on transcript NM_001365951.3 (MANE Select); coding-DNA position 4553, T replaced by A.
Protein change: p.Leu1518His; replaces leucine 1518 with histidine.
Molecular consequence: missense variant.
Genome position (GRCh38, 1-based): chr1:10,365,449, T>A. VCF-style: chr1-10365449-T-A. GRCh37 (hg19) VCF-style: chr1-10425507-T-A.
Other names: c.4553T>A, p.Leu1518His (NM_001365952.1); c.4415T>A, p.Leu1472His (NM_015074.3); short protein forms L1518H, L1472H.
Identifiers: ClinVar variation 1740431 (VCV001740431.2), dbSNP rs2521913995, ClinGen allele CA338321780.

ClinVar aggregate classification (germline): Uncertain significance (1 of 4 stars; one submission).

Submission:

Ambry Genetics
Classification: Uncertain significance. Last evaluated: 2022-04-25. Review status: criteria provided, single submitter. Criteria: Ambry Variant Classification Scheme 2023. Collection method: clinical testing. Allele origin: germline.
Comment: The p.L1472H variant (also known as c.4415T>A), located in coding exon 40 of the KIF1B gene, results from a T to A substitution at nucleotide position 4415. The leucine at codon 1472 is replaced by histidine, an amino acid with similar properties. This amino acid position is conserved. In addition, this alteration is predicted to be deleterious by in silico analysis. Since supporting evidence is limited at this time, the clinical significance of this alteration remains unclear.